The following is an entry in ClinVar:

ClinVar aggregate classification (germline): Uncertain significance. Review status: criteria provided, multiple submitters, no conflicts (2 of 4 stars). 2 submissions from 2 submitters: Uncertain significance (2). Last evaluated 2021-04-11.

Conditions:
Hereditary cancer-predisposing syndrome. Also called: Tumor predisposition; Neoplastic Syndromes, Hereditary; Hereditary Cancer Syndrome; Hereditary neoplastic syndrome. Identifiers: Orphanet 140162, MedGen C0027672, MeSH D009386, MONDO:0015356.
Gorlin syndrome. Also called: Basal cell nevus syndrome; Nevoid Basal Cell Carcinoma Syndrome. Identifiers: Orphanet 377, MedGen C0004779, MONDO:0007187.

Submissions (2):

Labcorp Genetics (formerly Invitae), Labcorp
Classification: Uncertain significance for Gorlin syndrome. Last evaluated: 2021-04-11. Review status: criteria provided, single submitter. Criteria: Invitae Variant Classification Sherloc (09022015). Collection method: clinical testing. Allele origin: germline.
Comment: Experimental studies and prediction algorithms are not available or were not evaluated, and the functional significance of this variant is currently unknown. This variant has not been reported in the literature in individuals with PTCH1-related conditions. ClinVar contains an entry for this variant (Variation ID: 486204). The frequency data for this variant in the population databases is considered unreliable, as metrics indicate insufficient coverage at this position in the ExAC database. This variant, c.55_60del, results in the deletion of 2 amino acid(s) of the PTCH1 protein (p.Gly19_Cys20del), but otherwise preserves the integrity of the reading frame. In summary, the available evidence is currently insufficient to determine the role of this variant in disease. Therefore, it has been classified as a Variant of Uncertain Significance.

Ambry Genetics
Classification: Uncertain significance for Hereditary cancer-predisposing syndrome. Last evaluated: 2017-03-16. Review status: criteria provided, single submitter. Criteria: Ambry Variant Classification Scheme 2023. Collection method: clinical testing. Allele origin: germline.
Comment: The c.55_60delGGCTGT variant (also known as p.G19_C20del) is located in coding exon 1 of the PTCH1 gene. This variant results from an in-frame GGCTGT deletion at nucleotide positions 55 to 60. This results in the in-frame deletion of 2 amino acids a at codons 19 and 20. This amino acid region is well conserved in available vertebrate species. Since supporting evidence is limited at this time, the clinical significance of this alteration remains unclear.

NM_000264.5(PTCH1):c.55_60del (p.Gly19_Cys20del)

Genes: PTCH1 (patched 1; minus strand), LOC130002133 (ATAC-STARR-seq lymphoblastoid silent region 20071; plus strand). Cytogenetic location: 9q22.32.
Variant type: Deletion.
Coding change: c.55_60del on transcript NM_000264.5 (MANE Select); coding-DNA positions 55 to 60, 6 bases deleted (GGCTGT; older notation c.55_60delGGCTGT).
Protein change: p.Gly19_Cys20del.
Molecular consequence: inframe deletion. On other transcripts: non-coding transcript variant (1), intron variant (3).
Genome position (GRCh38, 1-based): chr9:95,508,302-95,508,307, ACAGCC deleted on the plus strand (GGCTGT on the coding strand, the reverse complement: PTCH1 is on the minus strand). VCF-style (leftmost placement, unchanged base first): chr9-95508301-TACAGCC-T. GRCh37 (hg19) VCF-style: chr9-98270583-TACAGCC-T.
Other names: c.55_60del, p.Gly19_Cys20del (NM_001354918.2); c.199-1708_199-1703del (NM_001083603.3); c.4-1708_4-1703del (NM_001083602.3, NM_001354919.2).
Identifiers: ClinVar variation 486204 (VCV000486204.13), dbSNP rs1554709544, ClinGen allele CA658657874.